The following is an entry in ClinVar:

NM_001931.4(DLAT):c.-944A>T

Genes: DLAT (dihydrolipoamide S-acetyltransferase; plus strand), LOC130006760 (ATAC-STARR-seq lymphoblastoid active region 5527; plus strand). Cytogenetic location: 11q23.1.
Variant type: single nucleotide variant.
Coding change: c.-944A>T on transcript NM_001931.4; 944 bases upstream of the start codon, A replaced by T.
Genome position (GRCh38, 1-based): chr11:112,024,529, A>T. VCF-style: chr11-112024529-A-T. GRCh37 (hg19) VCF-style: chr11-111895253-A-T.
Identifiers: ClinVar variation 669707 (VCV000669707.3), dbSNP rs2276391, ClinGen allele CA13396853.
Genomic context (GRCh38, chr11:112,024,529, plus strand): 5'-GACTTTTTATTCATTGATTCAAAAGACATACATTCAGCCCCCGCTATTTACTGGATATTA[A>T]GCTCTGGGGCTACATGGAAGGACCACGCAGACACTCTTCATGCCTTCAACGGCTTACAGT-3'

ClinVar aggregate classification (germline): Benign (1 of 4 stars; one submission).

Allele frequency attached by ClinVar (database versions not stated): gnomAD 0.29373 and 0.30085; TOPMed 0.29090; 1000 Genomes Project 30x 0.31168; 1000 Genomes Project 0.32408.

Submission:

GeneDx
Classification: Benign. Last evaluated: 2018-06-14. Review status: criteria provided, single submitter. Criteria: GeneDx Variant Classification (06012015). Collection method: clinical testing. Allele origin: germline. Affected: yes.
Comment: This variant is considered likely benign or benign based on one or more of the following criteria: it is a conservative change, it occurs at a poorly conserved position in the protein, it is predicted to be benign by multiple in silico algorithms, and/or has population frequency not consistent with disease.